The following is an entry in ClinVar:

NM_000809.4(GABRA4):c.869T>C (p.Val290Ala)

Gene: GABRA4 (gamma-aminobutyric acid type A receptor subunit alpha4; minus strand). Cytogenetic location: 4p12.
Variant type: single nucleotide variant.
Coding change: c.869T>C on transcript NM_000809.4 (MANE Select); coding-DNA position 869, T replaced by C.
Protein change: p.Val290Ala; replaces valine 290 with alanine.
Molecular consequence: missense variant. On other transcripts: intron variant (1).
Genome position (GRCh38, 1-based): chr4:46,971,088, A>G on the plus strand (T>C on the coding strand, the complement: GABRA4 is on the minus strand). VCF-style: chr4-46971088-A-G. GRCh37 (hg19) VCF-style: chr4-46973105-A-G.
Other names: c.812T>C, p.Val271Ala (NM_001204266.2); c.664+3144T>C (NM_001204267.2); short protein forms V271A, V290A.
Identifiers: ClinVar variation 3360648 (VCV003360648.1).

ClinVar aggregate classification (germline): Uncertain significance (1 of 4 stars; one submission).

Submission:

GeneDx
Classification: Uncertain significance. Last evaluated: 2023-06-29. Review status: criteria provided, single submitter. Criteria: GeneDx Variant Classification Process June 2021. Collection method: clinical testing. Allele origin: germline. Affected: yes.
Comment: Not observed at significant frequency in large population cohorts (gnomAD); In silico analysis supports that this missense variant does not alter protein structure/function; Has not been previously published as pathogenic or benign to our knowledge; Variants in candidate genes are classified as variants of uncertain significance in accordance with ACMG guidelines (Richards et al., 2015)